The following is an entry in ClinVar:

NM_000439.5(PCSK1):c.760A>G (p.Ile254Val)

Genes: CAST (calpastatin; plus strand), PCSK1 (proprotein convertase subtilisin/kexin type 1; minus strand), LOC101929710 (uncharacterized LOC101929710; plus strand). Cytogenetic location: 5q15.
Variant type: single nucleotide variant.
Coding change: c.760A>G on transcript NM_000439.5 (MANE Select); coding-DNA position 760, A replaced by G.
Protein change: p.Ile254Val; replaces isoleucine 254 with valine.
Molecular consequence: missense variant. On other transcripts: intron variant (11).
Genome position (GRCh38, 1-based): chr5:96,412,440, T>C on the plus strand (A>G on the coding strand, the complement: PCSK1 is on the minus strand). VCF-style: chr5-96412440-T-C. GRCh37 (hg19) VCF-style: chr5-95748144-T-C.
Other names: c.619A>G, p.Ile207Val (NM_001177875.2); c.-175+32788T>C (NM_001423254.1, NM_001423259.1, NM_001423255.1 and 6 more transcripts); c.-103+32788T>C (NM_001423253.1); c.-40+32788T>C (NM_001423258.1); short protein forms I207V, I254V.
Identifiers: ClinVar variation 2634112 (VCV002634112.1), dbSNP rs779122202, ClinGen allele CA3350381.
Genomic context (GRCh38, chr5:96,412,440, plus strand): 5'-CATCATCATTAGGGCCCCAGCTTGCACTGTAAATATCCACGTGTCCAGGATTGAATCCAA[T>C]TGAACTGGCCTCAATAGCATCCGTCACAATGCCATCCAGCATTCTTATGCCTGAGAAACA-3'
Protein context (NP_000430.3, residues 244-264): IVTDAIEASS[Ile254Val]GFNPGHVDIY

ClinVar aggregate classification (germline): Uncertain significance (1 of 4 stars; one submission).

Conditions:
PCSK1-related disorder. Also called: PCSK1-related condition.

Allele frequency attached by ClinVar (database versions not stated): ExAC 0.00001; TOPMed 0.00002; gnomAD 0.00001; gnomAD exomes 0.00001.
gnomAD v4.1: 9 of 1,613,954 alleles (0.00056%); highest among the groups gnomAD compares: East Asian, 0.0022%; no homozygotes.

Submission:

PreventionGenetics, part of Exact Sciences
Classification: Uncertain significance for PCSK1-related condition. Last evaluated: 2023-01-03. Review status: criteria provided, single submitter. Criteria: ACMG Guidelines, 2015. Collection method: clinical testing. Allele origin: germline.
Comment: The PCSK1 c.760A>G variant is predicted to result in the amino acid substitution p.Ile254Val. To our knowledge, this variant has not been reported in the literature. This variant is reported in 0.0029% of alleles in individuals of Latino descent in gnomAD. At this time, the clinical significance of this variant is uncertain due to the absence of conclusive functional and genetic evidence.